The following is an entry in ClinVar:

NM_014915.3(ANKRD26):c.2579A>G (p.Asp860Gly)

Gene: ANKRD26 (ankyrin repeat domain containing 26; minus strand). Cytogenetic location: 10p12.1.
Variant type: single nucleotide variant.
Coding change: c.2579A>G on transcript NM_014915.3 (MANE Select); coding-DNA position 2579, A replaced by G.
Protein change: p.Asp860Gly; replaces aspartic acid 860 with glycine.
Molecular consequence: missense variant.
Genome position (GRCh38, 1-based): chr10:27,037,304, T>C on the plus strand (A>G on the coding strand, the complement: ANKRD26 is on the minus strand). VCF-style: chr10-27037304-T-C. GRCh37 (hg19) VCF-style: chr10-27326233-T-C.
Other names: c.2576A>G, p.Asp859Gly (NM_001256053.2); short protein forms D859G, D860G.
Identifiers: ClinVar variation 3872077 (VCV003872077.1).

ClinVar aggregate classification (germline): Uncertain significance (1 of 4 stars; one submission).

Conditions:
Inborn genetic diseases. Identifiers: MedGen C0950123, MeSH D030342.

Submission:

Ambry Genetics
Classification: Uncertain significance for Inborn genetic diseases. Last evaluated: 2025-03-06. Review status: criteria provided, single submitter. Criteria: Ambry Variant Classification Scheme 2023. Collection method: clinical testing. Allele origin: germline.
Comment: The p.D860G variant (also known as c.2579A>G), located in coding exon 23 of the ANKRD26 gene, results from an A to G substitution at nucleotide position 2579. The aspartic acid at codon 860 is replaced by glycine, an amino acid with similar properties. This amino acid position is conserved. In addition, this alteration is predicted to be tolerated by in silico analysis. Based on the available evidence, the clinical significance of this variant remains unclear.